The following is an entry in ClinVar:

NC_000011.9:g.(108139337_108141790)_108160370del

Gene: ATM (ATM serine/threonine kinase; plus strand). Cytogenetic location: 11q22.3.
Variant type: Deletion.
Identifiers: ClinVar variation 4687226 (VCV004687226.1).

ClinVar aggregate classification (germline): Likely pathogenic (1 of 4 stars; one submission).

Conditions:
Malignant tumor of breast. Also called: Malignant breast neoplasm; Cancer breast. Identifiers: MedGen C0006142, MONDO:0007254. Disease mechanism: loss of function.

Submission:

Women's Health and Genetics/Laboratory Corporation of America, LabCorp
Classification: Likely pathogenic for Malignant tumor of breast. Last evaluated: 2025-10-17. Review status: criteria provided, single submitter. Criteria: LabCorp Variant Classification Summary - May 2015. Collection method: clinical testing. Allele origin: germline.
Comment: Variant summary: The variant involves the deletion of exons 19-28 and a part of exon 29 in the ATM gene. A presumed nomenclature of c.(2838+1_2839-1)_4278del has been designated for the purposes of this classification. Since this Copy Number Variant (CNV) involves a partial deletion of exon 29, it spans a canonical splice-site and therefore predicted to result in loss-of-function. Loss-of-function variants in this gene are known to be pathogenic. The variant was absent in 120780 control chromosomes in the gnomAD database (Structural Variants v4.1 dataset). To our knowledge, no occurrence of c.(2838+1_2839-1)_4278del in individuals affected with ATM-related conditions and no experimental evidence demonstrating its impact on protein function have been reported. No submitters have cited clinical-significance assessments for this variant to ClinVar. Based on the evidence outlined above, the variant was classified as likely pathogenic.